The following is an entry in ClinVar:

ClinVar aggregate classification (germline): Likely benign. Review status: criteria provided, multiple submitters, no conflicts (2 of 4 stars). 2 submissions from 2 submitters: Likely benign (2). Last evaluated 2026-09-01.

Allele frequency attached by ClinVar (database versions not stated): gnomAD exomes 0.00001; TOPMed 0.00001; ExAC 0.00002; gnomAD 0.00002; ESP Exome Variant Server 0.00008.
gnomAD v4.1: 18 of 1,613,978 alleles (0.0011%); highest among the groups gnomAD compares: Non-Finnish European, 0.0015%; no homozygotes.

Submissions (2):

CeGaT Center for Human Genetics Tuebingen
Classification: Likely benign. Last evaluated: 2026-09-01. Review status: criteria provided, single submitter. Criteria: CeGaT Center For Human Genetics Tuebingen Variant Classification Criteria Version 2. Collection method: clinical testing. Allele origin: germline. Affected: yes. Observed: 1 variant allele.
Comment: MTOR: BP4

Labcorp Genetics (formerly Invitae), Labcorp
Classification: Likely benign. Last evaluated: 2024-08-21. Review status: criteria provided, single submitter. Criteria: Invitae Variant Classification Sherloc (09022015). Collection method: clinical testing. Allele origin: germline.

NM_004958.4(MTOR):c.4509G>A (p.Leu1503=)

Gene: MTOR (mechanistic target of rapamycin kinase; minus strand). Cytogenetic location: 1p36.22.
Variant type: single nucleotide variant.
Coding change: c.4509G>A on transcript NM_004958.4 (MANE Select); coding-DNA position 4509, G replaced by A.
Protein change: p.Leu1503=; no amino-acid change (leucine 1503 retained).
Molecular consequence: synonymous variant.
Genome position (GRCh38, 1-based): chr1:11,150,187, C>T on the plus strand (G>A on the coding strand, the complement: MTOR is on the minus strand). VCF-style: chr1-11150187-C-T. GRCh37 (hg19) VCF-style: chr1-11210244-C-T.
Other names: c.4509G>A, p.Leu1503= (NM_001386500.1); c.3261G>A, p.Leu1087= (NM_001386501.1).
Identifiers: ClinVar variation 1140226 (VCV001140226.10), dbSNP rs377720670, ClinGen allele CA589620.